The following is an entry in ClinVar:

NM_001267550.2(TTN):c.49958C>G (p.Ser16653Ter)

Genes: TTN-AS1 (TTN antisense RNA 1; plus strand), TTN (titin; minus strand). Cytogenetic location: 2q31.2.
Variant type: single nucleotide variant.
Coding change: c.49958C>G on transcript NM_001267550.2 (MANE Select); coding-DNA position 49958, C replaced by G.
Protein change: p.Ser16653Ter; replaces serine 16653 with a stop codon.
Molecular consequence: nonsense.
Genome position (GRCh38, 1-based): chr2:178,612,567, G>C on the plus strand (C>G on the coding strand, the complement: TTN is on the minus strand). VCF-style: chr2-178612567-G-C. GRCh37 (hg19) VCF-style: chr2-179477294-G-C.
Other names: p.S15012*:TCA>TGA; c.45035C>G, p.Ser15012Ter (NM_001256850.1); c.22763C>G, p.Ser7588Ter (NM_003319.4); c.42254C>G, p.Ser14085Ter (NM_133378.4); c.23138C>G, p.Ser7713Ter (NM_133432.3); c.23339C>G, p.Ser7780Ter (NM_133437.4); short protein forms S15012*, S16653*, S14085*, S7780*, S7713*, S7588*.
Identifiers: ClinVar variation 202376 (VCV000202376.8), dbSNP rs746669146, ClinGen allele CA309235.

ClinVar aggregate classification (germline): Pathogenic/Likely pathogenic. Review status: criteria provided, multiple submitters, no conflicts (2 of 4 stars). 2 submissions from 2 submitters: Pathogenic (1); Likely pathogenic (1). Last evaluated 2025-04-20.

Conditions:
Dilated cardiomyopathy 1G (CMD1G). Identifiers: Orphanet 154, MedGen C1858763, MONDO:0011400, OMIM 604145.
Autosomal recessive limb-girdle muscular dystrophy type 2J (LGMDR10). Also called: MUSCULAR DYSTROPHY, LIMB-GIRDLE, AUTOSOMAL RECESSIVE 10; Limb-girdle muscular dystrophy, type 2J. Identifiers: Orphanet 140922, MedGen C1837342, MONDO:0012127, OMIM 608807.

Submissions (2):

Labcorp Genetics (formerly Invitae), Labcorp
Classification: Likely pathogenic for Dilated cardiomyopathy 1G; Autosomal recessive limb-girdle muscular dystrophy type 2J. Last evaluated: 2025-04-20. Review status: criteria provided, single submitter. Criteria: Invitae Variant Classification Sherloc (09022015). Collection method: clinical testing. Allele origin: germline.
Comment: This sequence change creates a premature translational stop signal (p.Ser16653*) in the TTN gene. While this is not anticipated to result in nonsense mediated decay, it is expected to create a truncated TTN protein. This variant is not present in population databases (gnomAD no frequency). This variant has not been reported in the literature in individuals affected with TTN-related conditions. ClinVar contains an entry for this variant (Variation ID: 202376). This variant is located in the A band of TTN (PMID: 25589632). Truncating variants in this region are significantly overrepresented in patients affected with dilated cardiomyopathy (PMID: 25589632). Truncating variants in this region have also been reported in individuals affected with autosomal recessive centronuclear myopathy (PMID: 23975875). In summary, the currently available evidence indicates that the variant is pathogenic, but additional data are needed to prove that conclusively. Therefore, this variant has been classified as Likely Pathogenic.

GeneDx
Classification: Pathogenic. Last evaluated: 2020-05-29. Review status: criteria provided, single submitter. Criteria: GeneDx Variant Classification Process June 2021. Collection method: clinical testing. Allele origin: germline. Affected: yes.
Comment: Nonsense variant predicted to result in protein truncation or nonsense mediated decay in a gene for which loss-of-function is a known mechanism of disease; Not observed in large population cohorts (Lek et al., 2016); Has not been previously published as pathogenic or benign to our knowledge

Literature cited by the submitters: PubMed 25589632 (cited by Labcorp Genetics (formerly Invitae), Labcorp); PubMed 23975875 (cited by Labcorp Genetics (formerly Invitae), Labcorp).